The following is an entry in ClinVar:

NM_003079.5(SMARCE1):c.3G>A (p.Met1Ile)

Gene: SMARCE1 (SWI/SNF related BAF chromatin remodeling complex subunit E1; minus strand). Cytogenetic location: 17q21.2.
Variant type: single nucleotide variant.
Coding change: c.3G>A on transcript NM_003079.5 (MANE Select); coding-DNA position 3, G replaced by A.
Protein change: p.Met1Ile; changes the start codon (methionine 1).
Molecular consequence: missense variant, initiator codon variant.
Genome position (GRCh38, 1-based): chr17:40,645,800, C>T on the plus strand (G>A on the coding strand, the complement: SMARCE1 is on the minus strand). VCF-style: chr17-40645800-C-T. GRCh37 (hg19) VCF-style: chr17-38802052-C-T.
Other names: short protein forms M1I.
Identifiers: ClinVar variation 4864862 (VCV004864862.1).

ClinVar aggregate classification (germline): Uncertain significance (1 of 4 stars; one submission).

Conditions:
Hereditary cancer-predisposing syndrome. Also called: Neoplastic Syndromes, Hereditary; Tumor predisposition; Hereditary Cancer Syndrome; Hereditary neoplastic syndrome. Identifiers: Orphanet 140162, MedGen C0027672, MeSH D009386, MONDO:0015356.

Submission:

Ambry Genetics
Classification: Uncertain significance for Hereditary cancer-predisposing syndrome. Last evaluated: 2026-04-21. Review status: criteria provided, single submitter. Criteria: Ambry Variant Classification Scheme 2023. Collection method: clinical testing. Allele origin: germline.
Comment: The p.M1? variant (also known as c.3G>A) is located in coding exon 1 of the SMARCE1 gene and results from a G to A substitution at nucleotide position 3. This alters the methionine residue at the initiation codon (ATG). This variant is considered to be rare based on population cohorts in the Genome Aggregation Database (gnomAD). Variations that modify the initiation codon (ATG) are expected to result in either loss of translation initiation, N-terminal truncation, or cause a shift in the mRNA reading frame; however, there is an in-frame methionine 19 amino acids from the initiation site, which may result in N-terminal truncation of unknown functional significance.